The following is an entry in ClinVar:

NC_012920.1(MT-TI):m.4290T>C

Gene: MT-TI (mitochondrially encoded tRNA isoleucine; plus strand).
Variant type: single nucleotide variant.
Genome position: chrM-4290-T-C.
Other names: 4290T-C.
Identifiers: ClinVar variation 9605 (VCV000009605.2), dbSNP rs121434469, ClinGen allele CA120572.

ClinVar aggregate classification (germline): Uncertain significance. Review status: criteria provided, single submitter (1 of 4 stars). 2 submissions from 2 submitters: Uncertain significance (1). 1 of the submissions does not count toward it. Last evaluated 2019-07-12.

Conditions:
MELAS syndrome (MELAS). Also called: Juvenile myopathy, encephalopathy, lactic acidosis, stroke. Identifiers: Orphanet 550, MedGen C0162671, MONDO:0010789, OMIM 540000.
Encephalopathy, familial progressive necrotizing. Identifiers: MedGen C4016614.

Submissions (2):

Wong Mito Lab, Molecular and Human Genetics, Baylor College of Medicine
Classification: Uncertain significance for MELAS syndrome. Last evaluated: 2019-07-12. Review status: criteria provided, single submitter. Criteria: Modified ACMG Guidelines (Unpublished). Collection method: clinical testing. Allele origin: germline.
Comment: The NC_012920.1:m.4290T>C variant in MT-TI gene is interpreted to be a Unknown Significance variant based on the modified ACMG guidelines (unpublished). This variant meets the following evidence codes reported in the guidelines: PP3, BS4

OMIM
Classification: Pathogenic for ENCEPHALOPATHY, FAMILIAL PROGRESSIVE NECROTIZING. Last evaluated: 2004-05-01. Review status: no assertion criteria provided. Collection method: literature only. Allele origin: germline. Not counted in ClinVar's aggregate classification.

Literature cited by the submitters: PubMed 31965079 (cited by Wong Mito Lab, Molecular and Human Genetics, Baylor College of Medicine); PubMed 21533077 (cited by Wong Mito Lab, Molecular and Human Genetics, Baylor College of Medicine); PubMed 15121771 (cited by OMIM).